The following is an entry in ClinVar:

NM_006030.4(CACNA2D2):c.2995C>T (p.Pro999Ser)

Genes: CACNA2D2 (calcium voltage-gated channel auxiliary subunit alpha2delta 2; minus strand), LOC101928965 (uncharacterized LOC101928965; plus strand), LOC127898564 (CYB561D2-LOC101928965; plus strand). Cytogenetic location: 3p21.31.
Variant type: single nucleotide variant.
Coding change: c.2995C>T on transcript NM_006030.4 (MANE Select); coding-DNA position 2995, C replaced by T.
Protein change: p.Pro999Ser; replaces proline 999 with serine.
Molecular consequence: missense variant. On other transcripts: non-coding transcript variant (2).
Genome position (GRCh38, 1-based): chr3:50,365,459, G>A on the plus strand (C>T on the coding strand, the complement: CACNA2D2 is on the minus strand). VCF-style: chr3-50365459-G-A. GRCh37 (hg19) VCF-style: chr3-50402890-G-A.
Other names: c.3016C>T (NM_001174051.1); c.2995C>T, p.Pro999Ser (NM_001005505.3); c.3016C>T, p.Pro1006Ser (NM_001174051.3); c.2788C>T, p.Pro930Ser (NM_001291101.1); short protein forms P1006S, P999S, P930S.
Identifiers: ClinVar variation 411005 (VCV000411005.21), dbSNP rs146587089, ClinGen allele CA2418268.

ClinVar aggregate classification (germline): Conflicting classifications of pathogenicity. Review status: criteria provided, conflicting classifications (1 of 4 stars). 6 submissions from 6 submitters: Uncertain significance (2); Likely benign (3). 1 of the submissions does not count toward it. Last evaluated 2026-02-03.

Conditions:
Early-infantile DEE. Also called: Early infantile epileptic encephalopathy with suppression bursts; Early infantile epileptic encephalopathy; Ohtahara syndrome. Identifiers: Orphanet 1934, MedGen C0393706, MONDO:0800491.
CACNA2D2-related disorder. Also called: CACNA2D2-related condition.
Inborn genetic diseases. Identifiers: MedGen C0950123, MeSH D030342.
Developmental and epileptic encephalopathy. Identifiers: MedGen C5779964, MONDO:0100620.

Allele frequency attached by ClinVar (database versions not stated): 1000 Genomes Project 0.00060; 1000 Genomes Project 30x 0.00062; TOPMed 0.00105; gnomAD 0.00109 and 0.00111; gnomAD exomes 0.00111; ExAC 0.00115; ESP Exome Variant Server 0.00131.
gnomAD v4.1: 2,227 of 1,613,428 alleles (0.14%); highest among the groups gnomAD compares: South Asian, 0.18%; 3 homozygotes.

Submissions (6):

Labcorp Genetics (formerly Invitae), Labcorp
Classification: Uncertain significance for Early-infantile DEE. Last evaluated: 2026-02-03. Review status: criteria provided, single submitter. Criteria: Invitae Variant Classification Sherloc (09022015). Collection method: clinical testing. Allele origin: germline.
Comment: This sequence change replaces proline, which is neutral and non-polar, with serine, which is neutral and polar, at codon 999 of the CACNA2D2 protein (p.Pro999Ser). This variant is present in population databases (rs146587089, gnomAD 0.2%), including at least one homozygous and/or hemizygous individual. This variant has not been reported in the literature in individuals affected with CACNA2D2-related conditions. ClinVar contains an entry for this variant (Variation ID: 411005). An algorithm developed to predict the effect of missense changes on protein structure and function (PolyPhen-2) suggests that this variant is likely to be tolerated. In summary, the available evidence is currently insufficient to determine the role of this variant in disease. Therefore, it has been classified as a Variant of Uncertain Significance.

CeGaT Center for Human Genetics Tuebingen
Classification: Likely benign. Last evaluated: 2025-04-01. Review status: criteria provided, single submitter. Criteria: CeGaT Center For Human Genetics Tuebingen Variant Classification Criteria Version 2. Collection method: clinical testing. Allele origin: germline. Affected: yes. Observed: 1 variant allele.
Comment: CACNA2D2: BP4, BS2

Blueprint Genetics
Classification: Likely benign. Last evaluated: 2024-11-23. Review status: criteria provided, single submitter. Criteria: ACMG Guidelines, 2015. Collection method: clinical testing. Allele origin: germline.

Ambry Genetics
Classification: Likely benign for Inborn genetic diseases. Last evaluated: 2021-05-19. Review status: criteria provided, single submitter. Criteria: Ambry Variant Classification Scheme 2023. Collection method: clinical testing. Allele origin: germline.

Fulgent Genetics
Classification: Uncertain significance for Early infantile epileptic encephalopathy with suppression bursts. Last evaluated: 2018-10-31. Review status: criteria provided, single submitter. Criteria: ACMG Guidelines, 2015. Collection method: clinical testing. Allele origin: unknown.

PreventionGenetics, part of Exact Sciences
Classification: Likely benign for CACNA2D2-related condition. Last evaluated: 2022-02-25. Review status: no assertion criteria provided. Collection method: clinical testing. Allele origin: germline. Not counted in ClinVar's aggregate classification.
Comment: This variant is classified as likely benign based on ACMG/AMP sequence variant interpretation guidelines (Richards et al. 2015 PMID: 25741868, with internal and published modifications).